The following is an entry in ClinVar:

NM_020975.6(RET):c.3139C>T (p.Pro1047Ser)

Gene: RET (ret proto-oncogene; plus strand). Cytogenetic location: 10q11.21.
Variant type: single nucleotide variant.
Coding change: c.3139C>T on transcript NM_020975.6 (MANE Select); coding-DNA position 3139, C replaced by T.
Protein change: p.Pro1047Ser; replaces proline 1047 with serine.
Molecular consequence: missense variant.
Genome position (GRCh38, 1-based): chr10:43,126,674, C>T. VCF-style: chr10-43126674-C-T. GRCh37 (hg19) VCF-style: chr10-43622122-C-T.
Other names: c.2242C>T, p.Pro748Ser (NM_001406781.1, NM_001406782.1, NM_001406779.1 and 1 more transcripts); c.2113C>T, p.Pro705Ser (NM_001406783.1, NM_001406786.1); c.2149C>T, p.Pro717Ser (NM_001406784.1); c.2701C>T, p.Pro901Ser (NM_001406773.1, NM_001406771.1); c.2614C>T, p.Pro872Ser (NM_001406774.1); c.2413C>T, p.Pro805Ser (NM_001406775.1, NM_001406776.1, NM_001406778.1); c.2743C>T, p.Pro915Ser (NM_001406769.1, NM_001406772.1); c.2851C>T, p.Pro951Ser (NM_001406770.1, NM_001406766.1, NM_001406767.1); and 10 more; short protein forms P793S, P1047S, P708S, P717S, P805S, P872S, P1004S, P652S.
Identifiers: ClinVar variation 834355 (VCV000834355.13), dbSNP rs369152977, ClinGen allele CA206267845.

ClinVar aggregate classification (germline): Conflicting classifications of pathogenicity. Review status: criteria provided, conflicting classifications (1 of 4 stars). 4 submissions from 4 submitters: Uncertain significance (3); Likely benign (1). Last evaluated 2025-12-08.

Conditions:
Multiple endocrine neoplasia, type 2 (MEN2). Identifiers: Orphanet 653, MedGen C4048306, MONDO:0019003. Disease mechanism: gain of function.
Hereditary cancer-predisposing syndrome. Also called: Hereditary neoplastic syndrome; Neoplastic Syndromes, Hereditary; Tumor predisposition; Hereditary Cancer Syndrome. Identifiers: Orphanet 140162, MedGen C0027672, MeSH D009386, MONDO:0015356.

Allele frequency attached by ClinVar (database versions not stated): gnomAD exomes below 0.00001; TOPMed below 0.00001; gnomAD 0.00001.
gnomAD v4.1: 6 of 1,613,946 alleles (0.00037%); highest among the groups gnomAD compares: Non-Finnish European, 0.00042%; no homozygotes.

Submissions (4):

Labcorp Genetics (formerly Invitae), Labcorp
Classification: Uncertain significance for Multiple endocrine neoplasia, type 2. Last evaluated: 2025-12-08. Review status: criteria provided, single submitter. Criteria: Invitae Variant Classification Sherloc (09022015). Collection method: clinical testing. Allele origin: germline.
Comment: This sequence change replaces proline, which is neutral and non-polar, with serine, which is neutral and polar, at codon 1047 of the RET protein (p.Pro1047Ser). This variant is not present in population databases (gnomAD no frequency). This variant has not been reported in the literature in individuals affected with RET-related conditions. ClinVar contains an entry for this variant (Variation ID: 834355). An algorithm developed to predict the effect of missense changes on protein structure and function (PolyPhen-2) suggests that this variant is likely to be disruptive. In summary, the available evidence is currently insufficient to determine the role of this variant in disease. Therefore, it has been classified as a Variant of Uncertain Significance.

Quest Diagnostics Nichols Institute San Juan Capistrano
Classification: Uncertain significance. Last evaluated: 2024-04-24. Review status: criteria provided, single submitter. Criteria: Quest Diagnostics criteria. Collection method: clinical testing. Allele origin: unknown.

All of Us Research Program, National Institutes of Health
Classification: Uncertain significance for Multiple endocrine neoplasia, type 2. Last evaluated: 2023-07-22. Review status: criteria provided, single submitter. Criteria: ACMG Guidelines, 2015. Collection method: clinical testing. Allele origin: germline. Inheritance: Autosomal dominant inheritance. Observed: 4 variant alleles, 4 heterozygotes.
Comment: This missense variant replaces proline with serine at codon 1047 of the RET protein. Computational prediction suggests that this variant may not impact protein structure and function (internally defined REVEL score threshold <= 0.5, PMID: 27666373). To our knowledge, functional studies have not been reported for this variant. This variant has not been reported as a germline mutation in individuals affected with hereditary cancer in the literature. This variant has not been identified in the general population by the Genome Aggregation Database (gnomAD). The available evidence is insufficient to determine the role of this variant in disease conclusively. Therefore, this variant is classified as a Variant of Uncertain Significance.

This study involves interpretation of variants in research participants for the purpose of population health screening. Participant phenotype was not available at the time of variant classification. Additional details can be found in publication PMID: 35346344, PMCID: PMC8962531

Ambry Genetics
Classification: Likely benign for Hereditary cancer-predisposing syndrome. Last evaluated: 2023-05-24. Review status: criteria provided, single submitter. Criteria: Ambry Variant Classification Scheme 2023. Collection method: clinical testing. Allele origin: germline.

Literature cited by the submitters: PubMed 29665843 (cited by Quest Diagnostics Nichols Institute San Juan Capistrano); PubMed 35732329 (cited by Quest Diagnostics Nichols Institute San Juan Capistrano).